The following is an entry in ClinVar:

NM_004380.3(CREBBP):c.4743del (p.Asp1581fs)

Gene: CREBBP (CREB binding lysine acetyltransferase; minus strand). Cytogenetic location: 16p13.3.
Variant type: Deletion.
Coding change: c.4743del on transcript NM_004380.3 (MANE Select); coding-DNA position 4743, one base deleted (C; older notation c.4743delC).
Protein change: p.Asp1581fs; shifts the reading frame from aspartic acid 1581.
Molecular consequence: frameshift variant.
Genome position (GRCh38, 1-based): chr16:3,731,923, G deleted on the plus strand (C on the coding strand, the reverse complement: CREBBP is on the minus strand). VCF-style (leftmost placement, unchanged base first): chr16-3731922-TG-T. GRCh37 (hg19) VCF-style: chr16-3781923-TG-T.
Other names: c.4629del, p.Asp1543fs (NM_001079846.1); short protein forms D1581fs, D1543fs.
Identifiers: ClinVar variation 2833805 (VCV002833805.3), dbSNP rs2548356509, ClinGen allele CA2739269965.

ClinVar aggregate classification (germline): Pathogenic (1 of 4 stars; one submission).

Conditions:
Rubinstein-Taybi syndrome (RSTS). Identifiers: Orphanet 783, MedGen C0035934, MONDO:0019188.

Submission:

Labcorp Genetics (formerly Invitae), Labcorp
Classification: Pathogenic for Rubinstein-Taybi syndrome. Last evaluated: 2023-02-01. Review status: criteria provided, single submitter. Criteria: Invitae Variant Classification Sherloc (09022015). Collection method: clinical testing. Allele origin: germline.
Comment: This sequence change creates a premature translational stop signal (p.Asp1581Glufs*54) in the CREBBP gene. It is expected to result in an absent or disrupted protein product. Loss-of-function variants in CREBBP are known to be pathogenic (PMID: 17052327, 18792986). For these reasons, this variant has been classified as Pathogenic. This variant has not been reported in the literature in individuals affected with CREBBP-related conditions. This variant is not present in population databases (gnomAD no frequency).

Literature cited by the submitters: PubMed 17052327; PubMed 18792986.